The following is an entry in ClinVar:

ClinVar aggregate classification (germline): Conflicting classifications of pathogenicity. Review status: criteria provided, conflicting classifications (1 of 4 stars). 2 submissions from 2 submitters: Uncertain significance (1); Likely benign (1). Last evaluated 2026-01-01.

Allele frequency attached by ClinVar (database versions not stated): ExAC 0.00001; gnomAD 0.00001; TOPMed 0.00002; gnomAD exomes 0.00001.

Submissions (2):

Labcorp Genetics (formerly Invitae), Labcorp
Classification: Likely benign. Last evaluated: 2026-01-01. Review status: criteria provided, single submitter. Criteria: Invitae Variant Classification Sherloc (09022015). Collection method: clinical testing. Allele origin: germline.

Women's Health and Genetics/Laboratory Corporation of America, LabCorp
Classification: Uncertain significance. Last evaluated: 2024-11-06. Review status: criteria provided, single submitter. Criteria: LabCorp Variant Classification Summary - May 2015. Collection method: clinical testing. Allele origin: germline.
Comment: Variant summary: RP2 c.632G>A (p.Arg211His) results in a non-conservative amino acid change in the encoded protein sequence. Three of five in-silico tools predict a damaging effect of the variant on protein function. The variant allele was found at a frequency of 1.6e-05 in 183390 control chromosomes. The available data on variant occurrences in the general population are insufficient to allow any conclusion about variant significance. c.632G>A has been reported in the literature in one individual affected with distinct retinal dystrophies, without primary information (Pelletier_2007). These report(s) do not provide unequivocal conclusions about association of the variant with Retinitis Pigmentosa, X-Linked. At least one publication reports experimental evidence evaluating an impact on protein function. These results showed no damaging effect of this variant (Liu_2017). The following publications have been ascertained in the context of this evaluation (PMID: 28209709, 16969763). No submitters have cited clinical-significance assessments for this variant to ClinVar. Based on the evidence outlined above, the variant was classified as uncertain significance.

Literature cited by the submitters: PubMed 28209709 (cited by Women's Health and Genetics/Laboratory Corporation of America, LabCorp); PubMed 16969763 (cited by Women's Health and Genetics/Laboratory Corporation of America, LabCorp).

NM_006915.3(RP2):c.632G>A (p.Arg211His)

Gene: RP2 (RP2 activator of ARL3 GTPase; plus strand). Cytogenetic location: Xp11.3.
Variant type: single nucleotide variant.
Coding change: c.632G>A on transcript NM_006915.3 (MANE Select); coding-DNA position 632, G replaced by A.
Protein change: p.Arg211His; replaces arginine 211 with histidine.
Molecular consequence: missense variant.
Genome position (GRCh38, 1-based): chrX:46,854,005, G>A. VCF-style: chrX-46854005-G-A. GRCh37 (hg19) VCF-style: chrX-46713440-G-A.
Other names: short protein forms R211H.
Identifiers: ClinVar variation 2737218 (VCV002737218.4), dbSNP rs782164955, ClinGen allele CA10394228.
Genomic context (GRCh38, chrX:46,854,005, plus strand): 5'-AAGATGCTGTGGTTCAGGACTATGTTCCTATACCTACTACCGAAGAGCTCAAAGCTGTTC[G>A]TGTTTCCACAGAAGCCAATAGAAGCATTGTTCCAATATCCCGGGGTCAGAGACAGAAGAG-3'
Protein context (NP_008846.2, residues 201-221): IPTTEELKAV[Arg211His]VSTEANRSIV